The following is an entry in ClinVar:

NM_003630.3(PEX3):c.1023T>G (p.Pro341=)

Gene: PEX3 (peroxisomal biogenesis factor 3; plus strand). Cytogenetic location: 6q24.2.
Variant type: single nucleotide variant.
Coding change: c.1023T>G on transcript NM_003630.3 (MANE Select); coding-DNA position 1023, T replaced by G.
Protein change: p.Pro341=; no amino-acid change (proline 341 retained).
Molecular consequence: synonymous variant.
Genome position (GRCh38, 1-based): chr6:143,485,233, T>G. VCF-style: chr6-143485233-T-G. GRCh37 (hg19) VCF-style: chr6-143806370-T-G.
Identifiers: ClinVar variation 2032200 (VCV002032200.4), dbSNP rs2482459622, ClinGen allele CA452462614.

ClinVar aggregate classification (germline): Uncertain significance (1 of 4 stars; one submission).

Submission:

Labcorp Genetics (formerly Invitae), Labcorp
Classification: Uncertain significance. Last evaluated: 2022-09-23. Review status: criteria provided, single submitter. Criteria: Invitae Variant Classification Sherloc (09022015). Collection method: clinical testing. Allele origin: germline.
Comment: In summary, the available evidence is currently insufficient to determine the role of this variant in disease. Therefore, it has been classified as a Variant of Uncertain Significance. This variant has not been reported in the literature in individuals affected with PEX3-related conditions. This variant is not present in population databases (gnomAD no frequency). This sequence change affects codon 341 of the PEX3 mRNA. It is a 'silent' change, meaning that it does not change the encoded amino acid sequence of the PEX3 protein. Algorithms developed to predict the effect of sequence changes on RNA splicing suggest that this variant may create or strengthen a splice site.